The following is an entry in ClinVar:

ClinVar aggregate classification (germline): Uncertain significance. Review status: criteria provided, multiple submitters, no conflicts (2 of 4 stars). 3 submissions from 3 submitters: Uncertain significance (3). Last evaluated 2024-11-22.

Conditions:
Familial adenomatous polyposis 1 (FAP1). Also called: FAMILIAL ADENOMATOUS POLYPOSIS 1, ATTENUATED; POLYPOSIS, ADENOMATOUS INTESTINAL. Identifiers: MedGen C2713442, MONDO:0021056, OMIM 175100. Disease mechanism: loss of function.
Hereditary cancer-predisposing syndrome. Also called: Neoplastic Syndromes, Hereditary; Tumor predisposition; Hereditary Cancer Syndrome; Hereditary neoplastic syndrome. Identifiers: Orphanet 140162, MedGen C0027672, MeSH D009386, MONDO:0015356.

Submissions (3):

Ambry Genetics
Classification: Uncertain significance for Hereditary cancer-predisposing syndrome. Last evaluated: 2024-11-22. Review status: criteria provided, single submitter. Criteria: Ambry Variant Classification Scheme 2023. Collection method: clinical testing. Allele origin: germline.
Comment: The p.N1763S variant (also known as c.5288A>G), located in coding exon 15 of the APC gene, results from an A to G substitution at nucleotide position 5288. The asparagine at codon 1763 is replaced by serine, an amino acid with highly similar properties. This amino acid position is conserved. In addition, in silico predictors for this gene do not accurately predict pathogenicity. Based on the available evidence, the clinical significance of this variant remains unclear.

Labcorp Genetics (formerly Invitae), Labcorp
Classification: Uncertain significance for Familial adenomatous polyposis 1. Last evaluated: 2024-10-24. Review status: criteria provided, single submitter. Criteria: Invitae Variant Classification Sherloc (09022015). Collection method: clinical testing. Allele origin: germline.
Comment: This sequence change replaces asparagine, which is neutral and polar, with serine, which is neutral and polar, at codon 1763 of the APC protein (p.Asn1763Ser). This variant is not present in population databases (gnomAD no frequency). This variant has not been reported in the literature in individuals affected with APC-related conditions. ClinVar contains an entry for this variant (Variation ID: 919822). Invitae Evidence Modeling of protein sequence and biophysical properties (such as structural, functional, and spatial information, amino acid conservation, physicochemical variation, residue mobility, and thermodynamic stability) indicates that this missense variant is not expected to disrupt APC protein function with a negative predictive value of 95%. In summary, the available evidence is currently insufficient to determine the role of this variant in disease. Therefore, it has been classified as a Variant of Uncertain Significance.

Color Diagnostics, LLC DBA Color Health
Classification: Uncertain significance for Hereditary cancer-predisposing syndrome. Last evaluated: 2023-12-05. Review status: criteria provided, single submitter. Criteria: ACMG Guidelines, 2015. Collection method: clinical testing. Allele origin: germline.
Comment: This missense variant replaces asparagine with serine at codon 1763 of the APC protein. Computational prediction suggests that this variant may not impact protein structure and function (internally defined REVEL score threshold <= 0.5, PMID: 27666373). To our knowledge, functional studies have not been reported for this variant. This variant has not been reported in individuals affected with APC-related disorders in the literature. This variant has not been identified in the general population by the Genome Aggregation Database (gnomAD). The available evidence is insufficient to determine the role of this variant in disease conclusively. Therefore, this variant is classified as a Variant of Uncertain Significance.

NM_000038.6(APC):c.5288A>G (p.Asn1763Ser)

Gene: APC (APC regulator of Wnt signaling pathway; plus strand). Cytogenetic location: 5q22.2.
Variant type: single nucleotide variant.
Coding change: c.5288A>G on transcript NM_000038.6 (MANE Select); coding-DNA position 5288, A replaced by G.
Protein change: p.Asn1763Ser; replaces asparagine 1763 with serine.
Molecular consequence: missense variant.
Genome position (GRCh38, 1-based): chr5:112,840,882, A>G. VCF-style: chr5-112840882-A-G. GRCh37 (hg19) VCF-style: chr5-112176579-A-G.
Other names: c.5288A>G, p.Asn1763Ser (NM_001127510.3, NM_001354895.2); c.5234A>G, p.Asn1745Ser (NM_001127511.3); c.5342A>G, p.Asn1781Ser (NM_001354896.2); c.5318A>G, p.Asn1773Ser (NM_001354897.2); c.5213A>G, p.Asn1738Ser (NM_001354898.2); c.5204A>G, p.Asn1735Ser (NM_001354899.2); c.5165A>G, p.Asn1722Ser (NM_001354900.2); c.5111A>G, p.Asn1704Ser (NM_001354901.2); and 5 more; short protein forms N1603S, N1637S, N1704S, N1781S, N1480S, N1735S, N1738S, N1745S.
Identifiers: ClinVar variation 919822 (VCV000919822.8), dbSNP rs1765913275, ClinGen allele CA16032890.